The following is an entry in ClinVar:

ClinVar aggregate classification (germline): Likely benign (0 of 4 stars; one submission).

Conditions:
SLC25A4-related disorder. Also called: SLC25A4-related condition.

Submission:

PreventionGenetics, part of Exact Sciences
Classification: Likely benign for SLC25A4-related condition. Last evaluated: 2024-07-12. Review status: no assertion criteria provided. Collection method: clinical testing. Allele origin: germline.
Comment: This variant is classified as likely benign based on ACMG/AMP sequence variant interpretation guidelines (Richards et al. 2015 PMID: 25741868, with internal and published modifications).

NM_001151.4(SLC25A4):c.-4C>T

Gene: SLC25A4 (solute carrier family 25 member 4; plus strand). Cytogenetic location: 4q35.1.
Variant type: single nucleotide variant.
Coding change: c.-4C>T on transcript NM_001151.4 (MANE Select); 4 bases upstream of the start codon, C replaced by T.
Molecular consequence: 5 prime UTR variant.
Genome position (GRCh38, 1-based): chr4:185,143,369, C>T. VCF-style: chr4-185143369-C-T. GRCh37 (hg19) VCF-style: chr4-186064523-C-T.
Identifiers: ClinVar variation 3347142 (VCV003347142.1).